The following is an entry in ClinVar:

NM_016169.4(SUFU):c.942A>C (p.Arg314Ser)

Gene: SUFU (SUFU negative regulator of hedgehog signaling; plus strand). Cytogenetic location: 10q24.32.
Variant type: single nucleotide variant.
Coding change: c.942A>C on transcript NM_016169.4 (MANE Select); coding-DNA position 942, A replaced by C.
Protein change: p.Arg314Ser; replaces arginine 314 with serine.
Molecular consequence: missense variant.
Genome position (GRCh38, 1-based): chr10:102,599,464, A>C. VCF-style: chr10-102599464-A-C. GRCh37 (hg19) VCF-style: chr10-104359221-A-C.
Other names: c.942A>C, p.Arg314Ser (NM_001178133.2); short protein forms R314S.
Identifiers: ClinVar variation 4824960 (VCV004824960.1).
Genomic context (GRCh38, chr10:102,599,464, plus strand): 5'-CACTGGGCAACTTAGTGGTGTCGTTGCAGACACAGAGCAGATCCGGGAGACCCTGAGGAG[A>C]GGACTCGAGATCAACAGCAAACCTGTCCTTCCACCAATCAACCCTCAGCGGCAGAATGGC-3'
Protein context (NP_057253.2, residues 304-324): DTEQIRETLR[Arg314Ser]GLEINSKPVL

ClinVar aggregate classification (germline): Uncertain significance (1 of 4 stars; one submission).

Conditions:
Hereditary cancer-predisposing syndrome. Also called: Neoplastic Syndromes, Hereditary; Tumor predisposition; Hereditary Cancer Syndrome; Hereditary neoplastic syndrome. Identifiers: Orphanet 140162, MedGen C0027672, MeSH D009386, MONDO:0015356.

Submission:

Ambry Genetics
Classification: Uncertain significance for Hereditary cancer-predisposing syndrome. Last evaluated: 2026-02-19. Review status: criteria provided, single submitter. Criteria: Ambry Variant Classification Scheme 2023. Collection method: clinical testing. Allele origin: germline.
Comment: The p.R314S variant (also known as c.942A>C), located in coding exon 8 of the SUFU gene, results from an A to C substitution at nucleotide position 942. The arginine at codon 314 is replaced by serine, an amino acid with dissimilar properties. This amino acid position is conserved. In addition, this alteration is predicted to be tolerated by in silico analysis. Based on the available evidence, the clinical significance of this variant remains unclear.